The following is an entry in ClinVar:

NC_000022.10:g.(?_29099483)_(29115483_?)dup

Gene: CHEK2 (checkpoint kinase 2; minus strand). Cytogenetic location: 22q12.1.
Variant type: Duplication.
Identifiers: ClinVar variation 1517095 (VCV001517095.5).

ClinVar aggregate classification (germline): Likely pathogenic (1 of 4 stars; one submission).

Conditions:
Familial cancer of breast. Also called: Hereditary breast cancer; hereditary breast carcinoma; BREAST CANCER, FAMILIAL. Identifiers: Orphanet 227535, MedGen C0346153, MONDO:0016419, OMIM 114480. Disease mechanism: loss of function.

Submission:

Labcorp Genetics (formerly Invitae), Labcorp
Classification: Likely pathogenic for Familial cancer of breast. Last evaluated: 2021-09-16. Review status: criteria provided, single submitter. Criteria: Invitae Variant Classification Sherloc (09022015). Collection method: clinical testing. Allele origin: germline.
Comment: In summary, the currently available evidence indicates that the variant is pathogenic, but additional data are needed to prove that conclusively. Therefore, this variant has been classified as Likely Pathogenic. Experimental studies and prediction algorithms are not available or were not evaluated, and the functional significance of this variant is currently unknown. This variant has not been reported in the literature in individuals affected with CHEK2-related conditions. This variant results in a copy number gain of the genomic region encompassing exon(s) 5-8 of the CHEK2 gene. While the exact position of this variant cannot be determined from the data, sub-genic copy number gains are generally in tandem (PMID: 25640679). This variant is predicted to be out-of-frame, and may result in an absent or disrupted protein product. Loss-of-function variants in CHEK2 are known to be pathogenic (PMID: 21876083, 24713400).

Literature cited by the submitters: PubMed 25640679; PubMed 21876083; PubMed 24713400.